The following is an entry in ClinVar:

NM_001458.5(FLNC):c.1087C>A (p.Pro363Thr)

Gene: FLNC (filamin C; plus strand). Cytogenetic location: 7q32.1.
Variant type: single nucleotide variant.
Coding change: c.1087C>A on transcript NM_001458.5 (MANE Select); coding-DNA position 1087, C replaced by A.
Protein change: p.Pro363Thr; replaces proline 363 with threonine.
Molecular consequence: missense variant.
Genome position (GRCh38, 1-based): chr7:128,838,306, C>A. VCF-style: chr7-128838306-C-A. GRCh37 (hg19) VCF-style: chr7-128478360-C-A.
Other names: c.1087C>A, p.Pro363Thr (NM_001127487.2); short protein forms P363T.
Identifiers: ClinVar variation 1410196 (VCV001410196.6), dbSNP rs2128934398, ClinGen allele CA369223663.

ClinVar aggregate classification (germline): Uncertain significance (1 of 4 stars; one submission).

Conditions:
Distal myopathy with posterior leg and anterior hand involvement. Also called: WILLIAMS DISTAL MYOPATHY. Identifiers: Orphanet 63273, MedGen C3279722, MONDO:0013550, OMIM 614065.
Hypertrophic cardiomyopathy 26. Also called: Cardiomyopathy, familial hypertrophic, 26. Identifiers: Orphanet 75249, MedGen C4310749, MONDO:0014883, OMIM 617047.
Myofibrillar myopathy 5. Also called: Filaminopathy (type); FILAMINOPATHY, AUTOSOMAL DOMINANT. Identifiers: Orphanet 171445, MedGen C1836050, MONDO:0012289, OMIM 609524.

Submission:

Labcorp Genetics (formerly Invitae), Labcorp
Classification: Uncertain significance for Distal myopathy with posterior leg and anterior hand involvement; Myofibrillar myopathy 5; Hypertrophic cardiomyopathy 26. Last evaluated: 2021-10-14. Review status: criteria provided, single submitter. Criteria: Invitae Variant Classification Sherloc (09022015). Collection method: clinical testing. Allele origin: germline.
Comment: This sequence change replaces proline with threonine at codon 363 of the FLNC protein (p.Pro363Thr). The proline residue is moderately conserved and there is a small physicochemical difference between proline and threonine. This variant is not present in population databases (ExAC no frequency). This variant has not been reported in the literature in individuals affected with FLNC-related conditions. Algorithms developed to predict the effect of missense changes on protein structure and function are either unavailable or do not agree on the potential impact of this missense change (SIFT: "Deleterious"; PolyPhen-2: "Probably Damaging"; Align-GVGD: "Class C0"). In summary, the available evidence is currently insufficient to determine the role of this variant in disease. Therefore, it has been classified as a Variant of Uncertain Significance.